The following is an entry in ClinVar:

ClinVar aggregate classification (germline): Uncertain significance (1 of 4 stars; one submission).

gnomAD v4.1: 2 of 1,612,718 alleles (0.00012%); highest among the groups gnomAD compares: Middle Eastern, 0.033%; no homozygotes.

Submission:

Labcorp Genetics (formerly Invitae), Labcorp
Classification: Uncertain significance. Last evaluated: 2025-09-13. Review status: criteria provided, single submitter. Criteria: Invitae Variant Classification Sherloc (09022015). Collection method: clinical testing. Allele origin: germline.
Comment: This sequence change replaces isoleucine, which is neutral and non-polar, with valine, which is neutral and non-polar, at codon 295 of the TBX20 protein (p.Ile295Val). This variant is not present in population databases (gnomAD no frequency). This variant has not been reported in the literature in individuals affected with TBX20-related conditions. Invitae Evidence Modeling of protein sequence and biophysical properties (such as structural, functional, and spatial information, amino acid conservation, physicochemical variation, residue mobility, and thermodynamic stability) indicates that this missense variant is not expected to disrupt TBX20 protein function with a negative predictive value of 80%. In summary, the available evidence is currently insufficient to determine the role of this variant in disease. Therefore, it has been classified as a Variant of Uncertain Significance.

NM_001077653.2(TBX20):c.883A>G (p.Ile295Val)

Gene: TBX20 (T-box transcription factor 20; minus strand). Cytogenetic location: 7p14.2.
Variant type: single nucleotide variant.
Coding change: c.883A>G on transcript NM_001077653.2 (MANE Select); coding-DNA position 883, A replaced by G.
Protein change: p.Ile295Val; replaces isoleucine 295 with valine.
Molecular consequence: missense variant.
Genome position (GRCh38, 1-based): chr7:35,231,511, T>C on the plus strand (A>G on the coding strand, the complement: TBX20 is on the minus strand). VCF-style: chr7-35231511-T-C. GRCh37 (hg19) VCF-style: chr7-35271123-T-C.
Other names: c.883A>G, p.Ile295Val (NM_001166220.1); short protein forms I295V.
Identifiers: ClinVar variation 4744369 (VCV004744369.1).